The following is an entry in ClinVar:

ClinVar aggregate classification (germline): Benign/Likely benign. Review status: criteria provided, multiple submitters, no conflicts (2 of 4 stars). 3 submissions from 3 submitters: Benign (1); Likely benign (1). 1 of the submissions does not count toward it. Last evaluated 2025-11-17.

Conditions:
IDH3A-related disorder. Also called: IDH3A-related condition.

Allele frequency attached by ClinVar (database versions not stated): gnomAD below 0.00001 and 0.00008; TOPMed 0.00002; ESP Exome Variant Server 0.00008; gnomAD exomes 0.00014 and 0.00029; ExAC 0.00035; 1000 Genomes Project 0.00060; 1000 Genomes Project 30x 0.00062.
gnomAD v4.1: 216 of 1,614,200 alleles (0.013%); highest among the groups gnomAD compares: South Asian, 0.22%; 1 homozygote.

Submissions (3):

Labcorp Genetics (formerly Invitae), Labcorp
Classification: Benign. Last evaluated: 2025-11-17. Review status: criteria provided, single submitter. Criteria: Invitae Variant Classification Sherloc (09022015). Collection method: clinical testing. Allele origin: germline.

Blueprint Genetics
Classification: Likely benign. Last evaluated: 2024-11-07. Review status: criteria provided, single submitter. Criteria: ACMG Guidelines, 2015. Collection method: clinical testing. Allele origin: germline.

PreventionGenetics, part of Exact Sciences
Classification: Likely benign for IDH3A-related condition. Last evaluated: 2019-04-09. Review status: no assertion criteria provided. Collection method: clinical testing. Allele origin: germline. Not counted in ClinVar's aggregate classification.
Comment: This variant is classified as likely benign based on ACMG/AMP sequence variant interpretation guidelines (Richards et al. 2015 PMID: 25741868, with internal and published modifications).

NM_005530.3(IDH3A):c.990G>A (p.Ala330=)

Gene: IDH3A (isocitrate dehydrogenase (NAD(+)) 3 catalytic subunit alpha; plus strand). Cytogenetic location: 15q25.1.
Variant type: single nucleotide variant.
Coding change: c.990G>A on transcript NM_005530.3 (MANE Select); coding-DNA position 990, G replaced by A.
Protein change: p.Ala330=; no amino-acid change (alanine 330 retained).
Molecular consequence: synonymous variant.
Genome position (GRCh38, 1-based): chr15:78,166,275, G>A. VCF-style: chr15-78166275-G-A. GRCh37 (hg19) VCF-style: chr15-78458617-G-A.
Identifiers: ClinVar variation 795143 (VCV000795143.14), dbSNP rs372950002, ClinGen allele CA7680735.